The following is an entry in ClinVar:

NM_003491.4(NAA10):c.243C>A (p.His81Gln)

Gene: NAA10 (N-alpha-acetyltransferase 10, NatA catalytic subunit; minus strand). Cytogenetic location: Xq28.
Variant type: single nucleotide variant.
Coding change: c.243C>A on transcript NM_003491.4 (MANE Select); coding-DNA position 243, C replaced by A.
Protein change: p.His81Gln; replaces histidine 81 with glutamine.
Molecular consequence: missense variant.
Genome position (GRCh38, 1-based): chrX:153,932,414, G>T on the plus strand (C>A on the coding strand, the complement: NAA10 is on the minus strand). VCF-style: chrX-153932414-G-T. GRCh37 (hg19) VCF-style: chrX-153197867-G-T.
Other names: c.243C>A, p.His81Gln (NM_001256119.2); c.225C>A, p.His75Gln (NM_001256120.2); short protein forms H75Q, H81Q.
Identifiers: ClinVar variation 4723400 (VCV004723400.1).

ClinVar aggregate classification (germline): Uncertain significance (1 of 4 stars; one submission).

Submission:

Labcorp Genetics (formerly Invitae), Labcorp
Classification: Uncertain significance. Last evaluated: 2025-07-27. Review status: criteria provided, single submitter. Criteria: Invitae Variant Classification Sherloc (09022015). Collection method: clinical testing. Allele origin: germline.
Comment: This sequence change replaces histidine, which is basic and polar, with glutamine, which is neutral and polar, at codon 81 of the NAA10 protein (p.His81Gln). This variant is not present in population databases (gnomAD no frequency). This variant has not been reported in the literature in individuals affected with NAA10-related conditions. An algorithm developed to predict the effect of missense changes on protein structure and function (PolyPhen-2) suggests that this variant is likely to be disruptive. In summary, the available evidence is currently insufficient to determine the role of this variant in disease. Therefore, it has been classified as a Variant of Uncertain Significance.